The following is an entry in ClinVar:

NC_000023.11:g.38269448G>C

Gene: RPGR (retinitis pigmentosa GTPase regulator; minus strand). Cytogenetic location: Xp11.4.
Variant type: single nucleotide variant.
Molecular consequence: 3 prime UTR variant (on NM_000328.3). On other transcripts: non-coding transcript variant (6).
Genome position: GRCh38 VCF-style: chrX-38269448-G-C. GRCh37 (hg19) VCF-style: chrX-38128701-G-C.
Other names: c.*178C>G (NM_000328.3, NM_001367245.1, NM_001367246.1 and 5 more transcripts).
Identifiers: ClinVar variation 4989580 (VCV004989580.1).
Genomic context (GRCh38, chrX:38,269,448, plus strand): 5'-AACAGTTAAGGCCACAACACTTTAGGGAGAATTTGAGATACACATATTTTGAAATGACTT[G>C]TTAAAAATATTAGCATAAATAAATATCAAAACTGGTCACACTTATAGAAGCTGAATAAAA-3'

ClinVar aggregate classification (germline): Likely benign (1 of 4 stars; one submission).

Conditions:
RPGR-related disorder. Also called: RPGR-related condition.

Submission:

PreventionGenetics, part of Exact Sciences
Classification: Likely benign for RPGR-related condition. Last evaluated: 2026-06-13. Review status: criteria provided, single submitter. Criteria: ACMG Guidelines, 2015. Collection method: clinical testing. Allele origin: germline.
Comment: This variant is classified as likely benign based on ACMG/AMP sequence variant interpretation guidelines (Richards et al. 2015 PMID: 25741868, with internal and published modifications).